The following is an entry in ClinVar:

NM_000021.4(PSEN1):c.1063C>T (p.Pro355Ser)

Gene: PSEN1 (presenilin 1; plus strand). Cytogenetic location: 14q24.2.
Variant type: single nucleotide variant.
Coding change: c.1063C>T on transcript NM_000021.4 (MANE Select); coding-DNA position 1063, C replaced by T.
Protein change: p.Pro355Ser; replaces proline 355 with serine.
Molecular consequence: missense variant.
Genome position (GRCh38, 1-based): chr14:73,211,876, C>T. VCF-style: chr14-73211876-C-T. GRCh37 (hg19) VCF-style: chr14-73678584-C-T.
Other names: c.1063C>T (NM_000021.3); c.1051C>T, p.Pro351Ser (NM_007318.3); short protein forms P351S, P355S.
Identifiers: ClinVar variation 1644912 (VCV001644912.10), dbSNP rs376433615, ClinGen allele CA7256915.
Genomic context (GRCh38, chr14:73,211,876, plus strand): 5'-GGGTTCAGTGAGGAATGGGAAGCCCAGAGGGACAGTCATCTAGGGCCTCATCGCTCTACA[C>T]CTGAGTCACGAGCTGCTGTCCAGGAACTTTCCAGCAGTATCCTCGCTGGTGAAGACCCAG-3'
Protein context (NP_000012.1, residues 345-365): DSHLGPHRST[Pro355Ser]ESRAAVQELS

ClinVar aggregate classification (germline): Conflicting classifications of pathogenicity. Review status: criteria provided, conflicting classifications (1 of 4 stars). 3 submissions from 3 submitters: Uncertain significance (1); Likely benign (2). Last evaluated 2026-01-15.

Conditions:
Pick disease. Also called: LOBAR ATROPHY OF BRAIN; Pick's disease; Pick Disease of the Brain; PICK DISEASE OF BRAIN; DEMENTIA WITH LOBAR ATROPHY AND NEURONAL CYTOPLASMIC INCLUSIONS. Identifiers: Orphanet 282, MedGen C0236642, MONDO:0008243, OMIM 172700.
Alzheimer disease 3 (AD3). Also called: ALZHEIMER DISEASE, FAMILIAL, 3. Identifiers: Orphanet 1020, MedGen C1843013, MONDO:0011913, OMIM 607822.
Frontotemporal dementia (FTD1). Also called: FRONTOTEMPORAL DEMENTIA WITH PARKINSONISM; FRONTOTEMPORAL LOBE DEMENTIA; MULTIPLE SYSTEM TAUOPATHY WITH PRESENILE DEMENTIA; FRONTOTEMPORAL LOBAR DEGENERATION WITH TAU INCLUSIONS; FTLD WITH TAU INCLUSIONS; Frontotemporal Dementia with Parkinsonism-17 (FTDP-17). Identifiers: Orphanet 282, MedGen C0338451, MONDO:0017276, OMIM 600274, HP:0002145.
Acne inversa, familial, 3 (ACNINV3). Identifiers: MedGen C3151038, MONDO:0013398, OMIM 613737.

Allele frequency attached by ClinVar (database versions not stated): ExAC 0.00002; ESP Exome Variant Server 0.00008.
gnomAD v4.1: 51 of 1,613,872 alleles (0.0032%); highest among the groups gnomAD compares: African/African-American, 0.048%; no homozygotes.

Submissions (3):

Labcorp Genetics (formerly Invitae), Labcorp
Classification: Likely benign for Alzheimer disease 3; Pick disease; Acne inversa, familial, 3; Frontotemporal dementia. Last evaluated: 2026-01-15. Review status: criteria provided, single submitter. Criteria: Invitae Variant Classification Sherloc (09022015). Collection method: clinical testing. Allele origin: germline.

Athena Diagnostics
Classification: Likely benign. Last evaluated: 2025-09-19. Review status: criteria provided, single submitter. Criteria: Athena Diagnostics Criteria. Collection method: clinical testing. Allele origin: unknown.
Comment: The frequency of this variant in the general population is higher than would generally be expected for pathogenic variants in this gene.

Women's Health and Genetics/Laboratory Corporation of America, LabCorp
Classification: Uncertain significance. Last evaluated: 2024-05-23. Review status: criteria provided, single submitter. Criteria: LabCorp Variant Classification Summary - May 2015. Collection method: clinical testing. Allele origin: germline.
Comment: Variant summary: PSEN1 c.1063C>T (p.Pro355Ser) results in a non-conservative amino acid change in the encoded protein sequence. Three of five in-silico tools predict a benign effect of the variant on protein function. The variant allele was found at a frequency of 3.2e-05 in 1613872 control chromosomes (gnomAD v4). This frequency is not significantly higher than estimated for a pathogenic variant in PSEN1 causing Alzheimer Disease, Type 3, allowing no conclusion about variant significance. c.1063C>T has been reported in the literature in individuals affected with Alzheimer Disease (Monacelli_2019, Perrone_2020). These reports do not provide unequivocal conclusions about association of the variant with Alzheimer Disease, Type 3. To our knowledge, no experimental evidence demonstrating an impact on protein function has been reported. The following publications have been ascertained in the context of this evaluation (PMID: 31177233, 32917274). ClinVar contains an entry for this variant (Variation ID: 1644912). Based on the evidence outlined above, the variant was classified as uncertain significance.

Literature cited by the submitters: PubMed 32917274 (cited by Athena Diagnostics and Women's Health and Genetics/Laboratory Corporation of America, LabCorp); PubMed 37895139 (cited by Athena Diagnostics); PubMed 31177233 (cited by Women's Health and Genetics/Laboratory Corporation of America, LabCorp).